The following is an entry in ClinVar:

NM_001145678.3(KIAA0825):c.2319G>A (p.Trp773Ter)

Gene: KIAA0825 (KIAA0825; minus strand). Cytogenetic location: 5q15.
Variant type: single nucleotide variant.
Coding change: c.2319G>A on transcript NM_001145678.3 (MANE Select); coding-DNA position 2319, G replaced by A.
Protein change: p.Trp773Ter; replaces tryptophan 773 with a stop codon.
Molecular consequence: nonsense. On other transcripts: non-coding transcript variant (1).
Genome position (GRCh38, 1-based): chr5:94,452,997, C>T on the plus strand (G>A on the coding strand, the complement: KIAA0825 is on the minus strand). VCF-style: chr5-94452997-C-T. GRCh37 (hg19) VCF-style: chr5-93788702-C-T.
Other names: c.2319G>A, p.Trp773Ter (NM_001385712.1, NM_001385713.1, NM_001388325.1); short protein forms W773*.
Identifiers: ClinVar variation 3906258 (VCV003906258.1).

ClinVar aggregate classification (germline): Pathogenic (1 of 4 stars; one submission).

Conditions:
Postaxial polydactyly. Identifiers: MedGen C0220697, MONDO:0020927, HP:0100259.

gnomAD v4.1: 31 of 1,530,018 alleles (0.002%); highest among the groups gnomAD compares: South Asian, 0.038%; no homozygotes.

Submission:

Center for Statistical Genetics, Columbia University
Classification: Pathogenic for Postaxial polydactyly. Review status: criteria provided, single submitter. Criteria: ACMG Guidelines, 2015. Collection method: research. Allele origin: germline. Inheritance: Autosomal recessive inheritance. Affected: yes. Observed: 5 variant alleles, 5 homozygotes.
Comment: The nonsense variant c.2319G>A; p.(Trp773*) was found in two families segregating with autosomal recessive postaxial polydactyly. This variant was classified as pathogenic based on the ACMG/AMP criteria using evidences PVS1, PP1-M, and PM2.